The following is an entry in ClinVar:

NM_001267550.2(TTN):c.87559G>A (p.Glu29187Lys)

Genes: TTN (titin; minus strand), TTN-AS1 (TTN antisense RNA 1; plus strand). Cytogenetic location: 2q31.2.
Variant type: single nucleotide variant.
Coding change: c.87559G>A on transcript NM_001267550.2 (MANE Select); coding-DNA position 87559, G replaced by A.
Protein change: p.Glu29187Lys; replaces glutamic acid 29187 with lysine.
Molecular consequence: missense variant.
Genome position (GRCh38, 1-based): chr2:178,557,795, C>T on the plus strand (G>A on the coding strand, the complement: TTN is on the minus strand). VCF-style: chr2-178557795-C-T. GRCh37 (hg19) VCF-style: chr2-179422522-C-T.
Other names: c.82636G>A, p.Glu27546Lys (NM_001256850.1); c.60364G>A, p.Glu20122Lys (NM_003319.4); c.79855G>A, p.Glu26619Lys (NM_133378.4); c.60739G>A, p.Glu20247Lys (NM_133432.3); c.60940G>A, p.Glu20314Lys (NM_133437.4); short protein forms E20122K, E20247K, E20314K, E26619K, E27546K, E29187K.
Identifiers: ClinVar variation 3780768 (VCV003780768.4).

ClinVar aggregate classification (germline): Conflicting classifications of pathogenicity. Review status: criteria provided, conflicting classifications (1 of 4 stars). 3 submissions from 3 submitters: Uncertain significance (2); Likely benign (1). Last evaluated 2026-09-21.

Conditions:
TTN-related myopathy. Identifiers: MedGen CN294812, MONDO:0100175.

gnomAD v4.1: 9 of 1,613,978 alleles (0.00056%); highest among the groups gnomAD compares: South Asian, 0.0099%; no homozygotes.

Submissions (3):

Molecular Diagnostic Laboratory for Inherited Cardiovascular Disease, Montreal Heart Institute
Classification: Likely benign. Last evaluated: 2026-09-21. Review status: criteria provided, single submitter. Criteria: ACMG Guidelines, 2015. Collection method: clinical testing. Allele origin: germline. Affected: no.

GeneDx
Classification: Uncertain significance. Last evaluated: 2026-05-15. Review status: criteria provided, single submitter. Criteria: GeneDx Variant Classification Process June 2021. Collection method: clinical testing. Allele origin: germline.
Comment: Not observed at significant frequency in large population cohorts (gnomAD); Missense variant in a gene in which most reported pathogenic variants are truncating/loss of function; Has not been previously published as pathogenic or benign to our knowledge

Department of Pathology and Laboratory Medicine, Sinai Health System
Classification: Uncertain significance for TTN-related myopathy. Last evaluated: 2020-12-01. Review status: criteria provided, single submitter. Criteria: ACMG Guidelines, 2015. Collection method: research. Allele origin: germline.